The following is an entry in ClinVar:

ClinVar aggregate classification (germline): Uncertain significance (1 of 4 stars; one submission).

gnomAD v4.1: 5 of 1,613,816 alleles (0.00031%); highest among the groups gnomAD compares: East Asian, 0.0045%; no homozygotes.

Submission:

Labcorp Genetics (formerly Invitae), Labcorp
Classification: Uncertain significance. Last evaluated: 2023-07-23. Review status: criteria provided, single submitter. Criteria: Invitae Variant Classification Sherloc (09022015). Collection method: clinical testing. Allele origin: germline.
Comment: This sequence change replaces leucine, which is neutral and non-polar, with phenylalanine, which is neutral and non-polar, at codon 826 of the ENPP1 protein (p.Leu826Phe). In summary, the available evidence is currently insufficient to determine the role of this variant in disease. Therefore, it has been classified as a Variant of Uncertain Significance. Advanced modeling of protein sequence and biophysical properties (such as structural, functional, and spatial information, amino acid conservation, physicochemical variation, residue mobility, and thermodynamic stability) performed at Invitae indicates that this missense variant is not expected to disrupt ENPP1 protein function. This variant has not been reported in the literature in individuals affected with ENPP1-related conditions. This variant is not present in population databases (gnomAD no frequency).

NM_006208.3(ENPP1):c.2478G>C (p.Leu826Phe)

Gene: ENPP1 (ectonucleotide pyrophosphatase/phosphodiesterase 1; plus strand). Cytogenetic location: 6q23.2.
Variant type: single nucleotide variant.
Coding change: c.2478G>C on transcript NM_006208.3 (MANE Select); coding-DNA position 2478, G replaced by C.
Protein change: p.Leu826Phe; replaces leucine 826 with phenylalanine.
Molecular consequence: missense variant.
Genome position (GRCh38, 1-based): chr6:131,886,595, G>C. VCF-style: chr6-131886595-G-C. GRCh37 (hg19) VCF-style: chr6-132207735-G-C.
Other names: short protein forms L826F.
Identifiers: ClinVar variation 2717789 (VCV002717789.3), dbSNP rs752931021, ClinGen allele CA365657392.
Genomic context (GRCh38, chr6:131,886,595, plus strand): 5'-TAAAATGAATATTGGCATGTTTTACAGAAAAAGAAGAGTCATCCGTAACCAAGAAATTTT[G>C]ATTCCAACTCACTTCTTTATTGTGCTAACAAGCTGTAAAGATACATCTCAGACGCCTTTG-3'
Protein context (NP_006199.2, residues 816-836): KRRVIRNQEI[Leu826Phe]IPTHFFIVLT